The following is an entry in ClinVar:

NM_030665.4(RAI1):c.3885G>A (p.Pro1295=)

Gene: RAI1 (retinoic acid induced 1; plus strand). Cytogenetic location: 17p11.2.
Variant type: single nucleotide variant.
Coding change: c.3885G>A on transcript NM_030665.4 (MANE Select); coding-DNA position 3885, G replaced by A.
Protein change: p.Pro1295=; no amino-acid change (proline 1295 retained).
Molecular consequence: synonymous variant.
Genome position (GRCh38, 1-based): chr17:17,796,833, G>A. VCF-style: chr17-17796833-G-A. GRCh37 (hg19) VCF-style: chr17-17700147-G-A.
Identifiers: ClinVar variation 1599405 (VCV001599405.11), dbSNP rs146259338, ClinGen allele CA8418853.
Genomic context (GRCh38, chr17:17,796,833, plus strand): 5'-TCCCAAGAAAGCCAAGCCCACCAAGGGCAATGGCGAGCCTGCCACAAAGCTCCCACCCCC[G>A]GAGACCCCCGATGCCTGCCTCAAGCTCGCCTCTCGGGCAGCCTTCCAGGGGGCCATGAAG-3'
Protein context (NP_109590.3, residues 1285-1305): NGEPATKLPP[Pro1295=]ETPDACLKLA

ClinVar aggregate classification (germline): Benign/Likely benign. Review status: criteria provided, multiple submitters, no conflicts (2 of 4 stars). 3 submissions from 3 submitters: Benign (1); Likely benign (1). 1 of the submissions does not count toward it. Last evaluated 2025-10-20.

Conditions:
RAI1-related disorder. Also called: RAI1-related condition.
Inborn genetic diseases. Identifiers: MedGen C0950123, MeSH D030342.

gnomAD v4.1: 16 of 1,611,376 alleles (0.00099%); highest among the groups gnomAD compares: Admixed American, 0.005%; no homozygotes.

Submissions (3):

Labcorp Genetics (formerly Invitae), Labcorp
Classification: Benign. Last evaluated: 2025-10-20. Review status: criteria provided, single submitter. Criteria: Invitae Variant Classification Sherloc (09022015). Collection method: clinical testing. Allele origin: germline.

Ambry Genetics
Classification: Likely benign for Inborn genetic diseases. Last evaluated: 2017-09-29. Review status: criteria provided, single submitter. Criteria: Ambry Variant Classification Scheme 2023. Collection method: clinical testing. Allele origin: germline.

PreventionGenetics, part of Exact Sciences
Classification: Likely benign for RAI1-related condition. Last evaluated: 2024-04-12. Review status: no assertion criteria provided. Collection method: clinical testing. Allele origin: germline. Not counted in ClinVar's aggregate classification.
Comment: This variant is classified as likely benign based on ACMG/AMP sequence variant interpretation guidelines (Richards et al. 2015 PMID: 25741868, with internal and published modifications).